The following is an entry in ClinVar:

ClinVar aggregate classification (germline): Likely pathogenic (1 of 4 stars; one submission).

Submission:

Labcorp Genetics (formerly Invitae), Labcorp
Classification: Likely pathogenic. Last evaluated: 2024-10-18. Review status: criteria provided, single submitter. Criteria: Invitae Variant Classification Sherloc (09022015). Collection method: clinical testing. Allele origin: germline.
Comment: This sequence change affects an acceptor splice site in intron 5 of the CYLD gene. It is expected to disrupt RNA splicing. Variants that disrupt the donor or acceptor splice site typically lead to a loss of protein function (PMID: 16199547), and loss-of-function variants in CYLD are known to be pathogenic (PMID: 19462465). This variant is not present in population databases (gnomAD no frequency). This variant has not been reported in the literature in individuals affected with CYLD-related conditions. Algorithms developed to predict the effect of sequence changes on RNA splicing suggest that this variant may disrupt the consensus splice site. In summary, the currently available evidence indicates that the variant is pathogenic, but additional data are needed to prove that conclusively. Therefore, this variant has been classified as Likely Pathogenic.

Literature cited by the submitters: PubMed 16199547; PubMed 19462465.

NM_001378743.1(CYLD):c.808-2A>C

Gene: CYLD (CYLD lysine 63 deubiquitinase; plus strand). Cytogenetic location: 16q12.1.
Variant type: single nucleotide variant.
Coding change: c.808-2A>C on transcript NM_001378743.1 (MANE Select); the canonical splice acceptor site of the intron before coding-DNA position 808, A replaced by C.
Molecular consequence: splice acceptor variant.
Genome position (GRCh38, 1-based): chr16:50,754,317, A>C. VCF-style: chr16-50754317-A-C. GRCh37 (hg19) VCF-style: chr16-50788228-A-C.
Other names: c.808-2A>C (NM_001042355.2, NM_001378751.1, NM_015247.3 and 10 more transcripts); c.142-2A>C (NM_001378754.1, NM_001378755.1).
Identifiers: ClinVar variation 3723236 (VCV003723236.2).